The following is an entry in ClinVar:

NM_001358921.2(COQ2):c.865G>A (p.Ala289Thr)

Gene: COQ2 (coenzyme Q2, polyprenyltransferase; minus strand). Cytogenetic location: 4q21.23.
Variant type: single nucleotide variant.
Coding change: c.865G>A on transcript NM_001358921.2 (MANE Select); coding-DNA position 865, G replaced by A.
Protein change: p.Ala289Thr; replaces alanine 289 with threonine.
Molecular consequence: missense variant.
Genome position (GRCh38, 1-based): chr4:83,267,672, C>T on the plus strand (G>A on the coding strand, the complement: COQ2 is on the minus strand). VCF-style: chr4-83267672-C-T. GRCh37 (hg19) VCF-style: chr4-84188825-C-T.
Other names: c.1015G>A, p.Ala339Thr (NM_015697.9); short protein forms A289T, A339T.
Identifiers: ClinVar variation 4076618 (VCV004076618.1).

ClinVar aggregate classification (germline): Uncertain significance (1 of 4 stars; one submission).

gnomAD v4.1: 3 of 1,568,368 alleles (0.00019%); highest among the groups gnomAD compares: East Asian, 0.0024%; no homozygotes.

Submission:

GeneDx
Classification: Uncertain significance. Last evaluated: 2025-02-25. Review status: criteria provided, single submitter. Criteria: GeneDx Variant Classification Process June 2021. Collection method: clinical testing. Allele origin: germline. Affected: yes.
Comment: Not observed at significant frequency in large population cohorts (gnomAD); In silico analysis indicates that this missense variant does not alter protein structure/function; Has not been previously published as pathogenic or benign to our knowledge